The following is an entry in ClinVar:

NM_002336.3(LRP6):c.4664G>A (p.Gly1555Asp)

Gene: LRP6 (LDL receptor related protein 6; minus strand). Cytogenetic location: 12p13.2.
Variant type: single nucleotide variant.
Coding change: c.4664G>A on transcript NM_002336.3 (MANE Select); coding-DNA position 4664, G replaced by A.
Protein change: p.Gly1555Asp; replaces glycine 1555 with aspartic acid.
Molecular consequence: missense variant. On other transcripts: 3 prime UTR variant (1), non-coding transcript variant (1).
Genome position (GRCh38, 1-based): chr12:12,121,304, C>T on the plus strand (G>A on the coding strand, the complement: LRP6 is on the minus strand). VCF-style: chr12-12121304-C-T. GRCh37 (hg19) VCF-style: chr12-12274238-C-T.
Other names: c.4757G>A, p.Gly1586Asp (NM_001414244.1); c.4664G>A, p.Gly1555Asp (NM_001414245.1); c.4529G>A, p.Gly1510Asp (NM_001414246.1); c.4466G>A, p.Gly1489Asp (NM_001414247.1); c.*140G>A (NM_001414248.1); c.4301G>A, p.Gly1434Asp (NM_001414251.1); c.4211G>A, p.Gly1404Asp (NM_001414252.1, NM_001414253.1, NM_001414254.1); c.4157G>A, p.Gly1386Asp (NM_001414255.1); short protein forms G1386D, G1404D, G1434D, G1489D, G1510D, G1555D, G1586D.
Identifiers: ClinVar variation 3628437 (VCV003628437.2).

ClinVar aggregate classification (germline): Uncertain significance (1 of 4 stars; one submission).

gnomAD v4.1: 6 of 1,614,090 alleles (0.00037%); highest among the groups gnomAD compares: Non-Finnish European, 0.00051%; no homozygotes.

Submission:

Labcorp Genetics (formerly Invitae), Labcorp
Classification: Uncertain significance. Last evaluated: 2025-01-23. Review status: criteria provided, single submitter. Criteria: Invitae Variant Classification Sherloc (09022015). Collection method: clinical testing. Allele origin: germline.
Comment: This sequence change replaces glycine, which is neutral and non-polar, with aspartic acid, which is acidic and polar, at codon 1555 of the LRP6 protein (p.Gly1555Asp). This variant is not present in population databases (gnomAD no frequency). This variant has not been reported in the literature in individuals affected with LRP6-related conditions. An algorithm developed to predict the effect of missense changes on protein structure and function (PolyPhen-2) suggests that this variant is likely to be disruptive. In summary, the available evidence is currently insufficient to determine the role of this variant in disease. Therefore, it has been classified as a Variant of Uncertain Significance.